The following is an entry in ClinVar:

ClinVar aggregate classification (germline): Likely pathogenic (0 of 4 stars; one submission).

Conditions:
SOD1-related disorder. Also called: SOD1-related condition.

Submission:

PreventionGenetics, part of Exact Sciences
Classification: Likely pathogenic for SOD1-related condition. Last evaluated: 2024-02-08. Review status: no assertion criteria provided. Collection method: clinical testing. Allele origin: germline.
Comment: The SOD1 c.142G>T variant is predicted to result in the amino acid substitution p.Val48Phe. This variant, also described as V47F, has been reported in individuals with amyotrophic lateral sclerosis (ALS, Table 2, Gellera. 2001. PubMed ID: 11465924; Table 1, Andersen et al. 2003. PubMed ID: 14506936; Alavi et al. 2014. PubMed ID: 25729540). An in vitro functional study demonstrates that expression of this variant interacts with Derlin-1, which results in the disruption of the endoplasmic reticulum-associated degradation (ERAD) pathway (Figure 2 I, Fujisawa et al. 2012. PubMed ID: 23280792). This variant has not been reported in a large population database, indicating this variant is rare. Additionally, a different missense change impacting the same amino acid (c.143T>C, p.Val48Ala) has been reported in unrelated individuals with ALS (Edgar et al. 2021. PubMed ID: 34404558). Taken together, we interpret this variant as likely pathogenic.

NM_000454.5(SOD1):c.142G>T (p.Val48Phe)

Gene: SOD1 (superoxide dismutase 1; plus strand). Cytogenetic location: 21q22.11.
Variant type: single nucleotide variant.
Coding change: c.142G>T on transcript NM_000454.5 (MANE Select); coding-DNA position 142, G replaced by T.
Protein change: p.Val48Phe; replaces valine 48 with phenylalanine.
Molecular consequence: missense variant.
Genome position (GRCh38, 1-based): chr21:31,663,859, G>T. VCF-style: chr21-31663859-G-T. GRCh37 (hg19) VCF-style: chr21-33036172-G-T.
Other names: short protein forms V48F.
Identifiers: ClinVar variation 3349795 (VCV003349795.1).
Genomic context (GRCh38, chr21:31,663,859, plus strand): 5'-GGACCAGTGAAGGTGTGGGGAAGCATTAAAGGACTGACTGAAGGCCTGCATGGATTCCAT[G>T]TTCATGAGTTTGGAGATAATACAGCAGGTGGGTGTTGTGCTGTGCTGGTGACCCATACTT-3'
Protein context (NP_000445.1, residues 38-58): GLTEGLHGFH[Val48Phe]HEFGDNTAGC